The following is an entry in ClinVar:

ClinVar aggregate classification (germline): Likely pathogenic (1 of 4 stars; one submission).

Conditions:
Amyotrophic lateral sclerosis type 1 (ALS1). Also called: AMYOTROPHIC LATERAL SCLEROSIS 1, FAMILIAL. Identifiers: Orphanet 803, MedGen C1862939, MONDO:0007103, OMIM 105400.

Submission:

Labcorp Genetics (formerly Invitae), Labcorp
Classification: Likely pathogenic for Amyotrophic lateral sclerosis type 1. Last evaluated: 2021-08-13. Review status: criteria provided, single submitter. Criteria: Invitae Variant Classification Sherloc (09022015). Collection method: clinical testing. Allele origin: germline.
Comment: This variant is not present in population databases (ExAC no frequency). Advanced modeling of protein sequence and biophysical properties (such as structural, functional, and spatial information, amino acid conservation, physicochemical variation, residue mobility, and thermodynamic stability) performed at Invitae indicates that this missense variant is expected to disrupt SOD1 protein function. This variant is also known as p.Val14Gly. This variant has been observed in individuals with clinical features of autosomal dominant amyotrophic lateral sclerosis (PMID: 9365366; Invitae). This sequence change replaces valine with glycine at codon 15 of the SOD1 protein (p.Val15Gly). The valine residue is moderately conserved and there is a moderate physicochemical difference between valine and glycine. In summary, the currently available evidence indicates that the variant is pathogenic, but additional data are needed to prove that conclusively. Therefore, this variant has been classified as Likely Pathogenic. Experimental studies have shown that this variant affects SOD1 function (PMID: 19483195, 23280792).

Literature cited by the submitters: PubMed 9365366; PubMed 19483195; PubMed 23280792.

NM_000454.5(SOD1):c.44T>G (p.Val15Gly)

Genes: SOD1 (superoxide dismutase 1; plus strand), SOD1-DT (SOD1 divergent transcript; minus strand). Cytogenetic location: 21q22.11.
Variant type: single nucleotide variant.
Coding change: c.44T>G on transcript NM_000454.5 (MANE Select); coding-DNA position 44, T replaced by G.
Protein change: p.Val15Gly; replaces valine 15 with glycine.
Molecular consequence: missense variant.
Genome position (GRCh38, 1-based): chr21:31,659,813, T>G. VCF-style: chr21-31659813-T-G. GRCh37 (hg19) VCF-style: chr21-33032126-T-G.
Other names: short protein forms V15G.
Identifiers: ClinVar variation 1500907 (VCV001500907.8), dbSNP rs1202989817, ClinGen allele CA410036010.